The following is an entry in ClinVar:

ClinVar aggregate classification (germline): Uncertain significance (1 of 4 stars; one submission).

Conditions:
Hereditary cancer-predisposing syndrome. Also called: Tumor predisposition; Neoplastic Syndromes, Hereditary; Hereditary Cancer Syndrome; Hereditary neoplastic syndrome. Identifiers: Orphanet 140162, MedGen C0027672, MeSH D009386, MONDO:0015356.

Submission:

Ambry Genetics
Classification: Uncertain significance for Hereditary cancer-predisposing syndrome. Last evaluated: 2025-03-05. Review status: criteria provided, single submitter. Criteria: Ambry Variant Classification Scheme 2023. Collection method: clinical testing. Allele origin: germline.
Comment: The p.V579D variant (also known as c.1736T>A), located in coding exon 13 of the APC gene, results from a T to A substitution at nucleotide position 1736. The valine at codon 579 is replaced by aspartic acid, an amino acid with highly dissimilar properties. This amino acid position is conserved. In addition, in silico predictors for this gene do not accurately predict pathogenicity. Based on the available evidence, the clinical significance of this variant remains unclear.

NM_000038.6(APC):c.1736T>A (p.Val579Asp)

Gene: APC (APC regulator of Wnt signaling pathway; plus strand). Cytogenetic location: 5q22.2.
Variant type: single nucleotide variant.
Coding change: c.1736T>A on transcript NM_000038.6 (MANE Select); coding-DNA position 1736, T replaced by A.
Protein change: p.Val579Asp; replaces valine 579 with aspartic acid.
Molecular consequence: missense variant.
Genome position (GRCh38, 1-based): chr5:112,828,965, T>A. VCF-style: chr5-112828965-T-A. GRCh37 (hg19) VCF-style: chr5-112164662-T-A.
Other names: c.1766T>A, p.Val589Asp (NM_001354897.2); c.1661T>A, p.Val554Asp (NM_001354898.2); c.1652T>A, p.Val551Asp (NM_001354899.2); c.1613T>A, p.Val538Asp (NM_001354900.2); c.1559T>A, p.Val520Asp (NM_001354901.2, NM_001407453.1); c.1463T>A, p.Val488Asp (NM_001354902.2); c.1433T>A, p.Val478Asp (NM_001354903.2, NM_001407458.1, NM_001407459.1 and 1 more transcripts); c.1358T>A, p.Val453Asp (NM_001354904.2); and 11 more; short protein forms V453D, V572D, V551D, V569D, V597D, V607D, V419D, V450D.
Identifiers: ClinVar variation 3882745 (VCV003882745.1).
Genomic context (GRCh38, chr5:112,828,965, plus strand): 5'-GTAAAAAGACGTTGCGAGAAGTTGGAAGTGTGAAAGCATTGATGGAATGTGCTTTAGAAG[T>A]TAAAAAGGTACCTTTGAAAACATTTAGTACTATAATATGAATTTCATGTTTGGCTTTTTT-3'
Protein context (NP_000029.2, residues 569-589): VKALMECALE[Val579Asp]KKESTLKSVL